The following is an entry in ClinVar:

ClinVar aggregate classification (germline): Benign/Likely benign. Review status: criteria provided, multiple submitters, no conflicts (2 of 4 stars). 13 submissions from 13 submitters: Benign (10); Likely benign (1). 2 of the submissions do not count toward it. Last evaluated 2026-02-04.

Conditions:
Primary ciliary dyskinesia 15. Also called: CILIARY DYSKINESIA, PRIMARY, 15, WITH OR WITHOUT SITUS INVERSUS. Identifiers: Orphanet 244, MedGen C3151137, MONDO:0013435, OMIM 613808.
Primary ciliary dyskinesia. Also called: Ciliary dyskinesia. Identifiers: Orphanet 244, MedGen C0008780, MONDO:0016575, HP:0012265.

Allele frequency attached by ClinVar (database versions not stated): ESP Exome Variant Server 0.99378; 1000 Genomes Project 0.95727; 1000 Genomes Project 30x 0.96065; gnomAD 0.98631; TOPMed 0.98703.
gnomAD v4.1: 1,584,480 of 1,613,522 alleles (98%); highest among the groups gnomAD compares: African/African-American, 99%; 778,623 homozygotes.

Submissions (13):

Labcorp Genetics (formerly Invitae), Labcorp
Classification: Benign for Primary ciliary dyskinesia. Last evaluated: 2026-02-04. Review status: criteria provided, single submitter. Criteria: Invitae Variant Classification Sherloc (09022015). Collection method: clinical testing. Allele origin: germline.

Blueprint Genetics
Classification: Likely benign. Last evaluated: 2024-11-28. Review status: criteria provided, single submitter. Criteria: ACMG Guidelines, 2015. Collection method: clinical testing. Allele origin: germline.

Mayo Clinic Laboratories, Mayo Clinic
Classification: Benign. Last evaluated: 2022-04-26. Review status: criteria provided, single submitter. Criteria: ACMG Guidelines, 2015. Collection method: clinical testing. Allele origin: germline. Observed: 206 variant alleles.

Genome-Nilou Lab
Classification: Benign for Primary ciliary dyskinesia 15. Last evaluated: 2021-07-14. Review status: criteria provided, single submitter. Criteria: ACMG Guidelines, 2015. Collection method: clinical testing. Allele origin: germline. Affected: no.

GeneDx
Classification: Benign. Last evaluated: 2018-12-19. Review status: criteria provided, single submitter. Criteria: GeneDx Variant Classification Process June 2021. Collection method: clinical testing. Allele origin: germline. Affected: yes.

Illumina Laboratory Services, Illumina
Classification: Benign for Primary ciliary dyskinesia 15. Last evaluated: 2018-01-13. Review status: criteria provided, single submitter. Criteria: ICSL Variant Classification Criteria 13 December 2019. Collection method: clinical testing. Allele origin: germline.
Comment: This variant was observed in the ICSL laboratory as part of a predisposition screen in an ostensibly healthy population. It had not been previously curated by ICSL or reported in the Human Gene Mutation Database (HGMD: prior to June 1st, 2018), and was therefore a candidate for classification through an automated scoring system. Utilizing variant allele frequency, disease prevalence and penetrance estimates, and inheritance mode, an automated score was calculated to assess if this variant is too frequent to cause the disease. Based on the score and internal cut-off values, a variant classified as benign is not then subjected to further curation. The score for this variant resulted in a classification of benign for this disease.

Ambry Genetics
Classification: Benign for Primary ciliary dyskinesia. Last evaluated: 2016-07-07. Review status: criteria provided, single submitter. Criteria: Ambry Variant Classification Scheme 2023. Collection method: clinical testing. Allele origin: germline.

Eurofins Ntd Llc (ga)
Classification: Benign. Last evaluated: 2014-05-05. Review status: criteria provided, single submitter. Criteria: EGL Classification Definitions 2015. Collection method: clinical testing. Allele origin: germline. Observed: 2 variant alleles, 2 homozygotes.

Laboratory for Molecular Medicine, Mass General Brigham Personalized Medicine
Classification: Benign. Last evaluated: 2013-02-21. Review status: criteria provided, single submitter. Criteria: LMM Criteria. Collection method: clinical testing. Allele origin: germline. Observed: 110 variant alleles.
Comment: Val69Val in exon 3 of CCDC40: This variant is not expected to have clinical sign ificance because it does not alter an amino acid residue and is not located with in the splice consensus sequence. It has been identified in 0.7% (56/8354) of Eu ropean American chromosomes from a broad population by the NHLBI Exome Sequencin g Project (dbSNP rs2289527).

Breakthrough Genomics
Classification: Benign. Review status: criteria provided, single submitter. Criteria: ACMG Guidelines, 2015. Collection method: not provided. Allele origin: germline. Inheritance: Autosomal recessive inheritance. Affected: yes.

PreventionGenetics, part of Exact Sciences
Classification: Benign. Review status: criteria provided, single submitter. Criteria: ACMG Guidelines, 2015. Collection method: clinical testing. Allele origin: germline.

Clinical Genetics DNA and cytogenetics Diagnostics Lab, Erasmus MC, Erasmus Medical Center
Classification: Benign. Review status: no assertion criteria provided. Collection method: clinical testing. Allele origin: germline. Affected: yes. Study: VKGL Data-share Consensus. Not counted in ClinVar's aggregate classification.

Diagnostic Laboratory, Department of Genetics, University Medical Center Groningen
Classification: Benign for Primary ciliary dyskinesia 15. Review status: no assertion criteria provided. Collection method: clinical testing. Allele origin: germline. Affected: yes. Study: VKGL Data-share Consensus. Not counted in ClinVar's aggregate classification.

NM_017950.4(CCDC40):c.207G>C (p.Val69=)

Gene: CCDC40 (coiled-coil domain 40 molecular ruler complex subunit; plus strand). Cytogenetic location: 17q25.3.
Variant type: single nucleotide variant.
Coding change: c.207G>C on transcript NM_017950.4 (MANE Select); coding-DNA position 207, G replaced by C.
Protein change: p.Val69=; no amino-acid change (valine 69 retained).
Molecular consequence: synonymous variant.
Genome position (GRCh38, 1-based): chr17:80,039,925, G>C. VCF-style: chr17-80039925-G-C. GRCh37 (hg19) VCF-style: chr17-78013724-G-C.
Other names: p.Val69=; c.207G>C, p.Val69= (NM_001243342.2, NM_001330508.2).
Identifiers: ClinVar variation 166807 (VCV000166807.34), dbSNP rs2289527, ClinGen allele CA179850.